The following is an entry in ClinVar:

ClinVar aggregate classification (germline): Pathogenic (1 of 4 stars; one submission).

gnomAD v4.1: 4 of 1,613,552 alleles (0.00025%); highest among the groups gnomAD compares: East Asian, 0.0022%; no homozygotes.

Submission:

CeGaT Center for Human Genetics Tuebingen
Classification: Pathogenic. Last evaluated: 2023-10-01. Review status: criteria provided, single submitter. Criteria: CeGaT Center For Human Genetics Tuebingen Variant Classification Criteria Version 2. Collection method: clinical testing. Allele origin: germline. Affected: yes. Observed: 1 variant allele.
Comment: EDEM3: PVS1, PM2, PM3:Supporting

NM_025191.4(EDEM3):c.1942C>T (p.Arg648Ter)

Gene: EDEM3 (ER degradation enhancing alpha-mannosidase like protein 3; minus strand). Cytogenetic location: 1q25.3.
Variant type: single nucleotide variant.
Coding change: c.1942C>T on transcript NM_025191.4 (MANE Select); coding-DNA position 1942, C replaced by T.
Protein change: p.Arg648Ter; replaces arginine 648 with a stop codon.
Molecular consequence: nonsense. On other transcripts: non-coding transcript variant (1).
Genome position (GRCh38, 1-based): chr1:184,708,248, G>A on the plus strand (C>T on the coding strand, the complement: EDEM3 is on the minus strand). VCF-style: chr1-184708248-G-A. GRCh37 (hg19) VCF-style: chr1-184677382-G-A.
Other names: c.1942C>T, p.Arg648Ter (NM_001319960.2); short protein forms R648*.
Identifiers: ClinVar variation 2639631 (VCV002639631.24), dbSNP rs149304336, ClinGen allele CA343488824.